The following is an entry in ClinVar:

NM_001127198.5(TMC6):c.262C>T (p.Arg88Cys)

Gene: TMC6 (transmembrane channel like 6; minus strand). Cytogenetic location: 17q25.3.
Variant type: single nucleotide variant.
Coding change: c.262C>T on transcript NM_001127198.5 (MANE Select); coding-DNA position 262, C replaced by T.
Protein change: p.Arg88Cys; replaces arginine 88 with cysteine.
Molecular consequence: missense variant. On other transcripts: non-coding transcript variant (4).
Genome position (GRCh38, 1-based): chr17:78,126,286, G>A on the plus strand (C>T on the coding strand, the complement: TMC6 is on the minus strand). VCF-style: chr17-78126286-G-A. GRCh37 (hg19) VCF-style: chr17-76122367-G-A.
Other names: c.262C>T, p.Arg88Cys (NM_001321185.1, NM_001374593.1, NM_001374594.1 and 4 more transcripts); short protein forms R88C.
Identifiers: ClinVar variation 2417079 (VCV002417079.6), dbSNP rs748146597, ClinGen allele CA8796208.
Genomic context (GRCh38, chr17:78,126,286, plus strand): 5'-TGGGGTCAACTCGGGGCCGGGGCCGAGGCCGAGGCTGAGGGTCCCACTCACCAATGGTGC[G>A]GCTGGGCATGCTGGCCAGGATGCGGAGTGTGGCCGTGCTCTGGGTGCCCTCGGGCCGCCA-3'
Protein context (NP_001120670.1, residues 78-98): TLRILASMPS[Arg88Cys]TIGRSRGAII

ClinVar aggregate classification (germline): Uncertain significance. Review status: criteria provided, multiple submitters, no conflicts (2 of 4 stars). 2 submissions from 2 submitters: Uncertain significance (2). Last evaluated 2025-04-01.

Conditions:
Inborn genetic diseases. Identifiers: MedGen C0950123, MeSH D030342.
Epidermodysplasia verruciformis. Identifiers: Orphanet 302, MedGen C0014522, MONDO:0009176.

Allele frequency attached by ClinVar (database versions not stated): TOPMed 0.00002; ExAC 0.00009.

Submissions (2):

Ambry Genetics
Classification: Uncertain significance for Inborn genetic diseases. Last evaluated: 2025-04-01. Review status: criteria provided, single submitter. Criteria: Ambry Variant Classification Scheme 2023. Collection method: clinical testing. Allele origin: germline.

Labcorp Genetics (formerly Invitae), Labcorp
Classification: Uncertain significance for Epidermodysplasia verruciformis. Last evaluated: 2022-07-26. Review status: criteria provided, single submitter. Criteria: Invitae Variant Classification Sherloc (09022015). Collection method: clinical testing. Allele origin: germline.
Comment: Algorithms developed to predict the effect of missense changes on protein structure and function are either unavailable or do not agree on the potential impact of this missense change (SIFT: "Not Available"; PolyPhen-2: "Probably Damaging"; Align-GVGD: "Not Available"). This variant has not been reported in the literature in individuals affected with TMC6-related conditions. The frequency data for this variant in the population databases is considered unreliable, as metrics indicate poor data quality at this position in the gnomAD database. This sequence change replaces arginine, which is basic and polar, with cysteine, which is neutral and slightly polar, at codon 88 of the TMC6 protein (p.Arg88Cys). In summary, the available evidence is currently insufficient to determine the role of this variant in disease. Therefore, it has been classified as a Variant of Uncertain Significance.